The following is an entry in ClinVar:

NM_000350.3(ABCA4):c.1496G>A (p.Trp499Ter)

Gene: ABCA4 (ATP binding cassette subfamily A member 4; minus strand). Cytogenetic location: 1p22.1.
Variant type: single nucleotide variant.
Coding change: c.1496G>A on transcript NM_000350.3 (MANE Select); coding-DNA position 1496, G replaced by A.
Protein change: p.Trp499Ter; replaces tryptophan 499 with a stop codon.
Molecular consequence: nonsense.
Genome position (GRCh38, 1-based): chr1:94,077,748, C>T on the plus strand (G>A on the coding strand, the complement: ABCA4 is on the minus strand). VCF-style: chr1-94077748-C-T. GRCh37 (hg19) VCF-style: chr1-94543304-C-T.
Other names: c.1496G>A, p.Trp499Ter (NM_001425324.1); short protein forms W499*.
Identifiers: ClinVar variation 848932 (VCV000848932.14), dbSNP rs1661575232, ClinGen allele CA341281909.

ClinVar aggregate classification (germline): Pathogenic/Likely pathogenic. Review status: criteria provided, multiple submitters, no conflicts (2 of 4 stars). 4 submissions from 4 submitters: Pathogenic (3); Likely pathogenic (1). Last evaluated 2025-07-04.

Conditions:
ABCA4-related disorder. Also called: ABCA4-related condition; ABCA4-related disorders. Identifiers: MedGen CN239167.
Severe early-childhood-onset retinal dystrophy (STGD1). Also called: Stargardt macular dystrophy; Juvenile onset macular degeneration; Stargardt disease 1; MACULAR DYSTROPHY WITH FLECKS, TYPE 1; STGD. Identifiers: Orphanet 364055, Orphanet 827, MedGen C1855465, MeSH D000080362, MONDO:0009549, OMIM 248200.
Retinitis pigmentosa 19 (RP19). Also called: ABCA4-Related Retinitis Pigmentosa. Identifiers: Orphanet 791, MedGen C1866422, MONDO:0011137, OMIM 601718.
Cone-rod dystrophy 3 (CORD3). Identifiers: Orphanet 1872, MedGen C1858806, MONDO:0011395, OMIM 604116.
Age related macular degeneration 2. Also called: MACULAR DEGENERATION, SENILE; MACULOPATHY, AGE-RELATED, 2; MACULOPATHY, AGE-RELATED. Identifiers: MedGen C3495438, MONDO:0007932, OMIM 153800.

Allele frequency attached by ClinVar (database versions not stated): gnomAD exomes below 0.00001.
gnomAD v4.1: 2 of 1,614,180 alleles (0.00012%); highest among the groups gnomAD compares: Non-Finnish European, 0.00017%; no homozygotes.

Submissions (4):

Labcorp Genetics (formerly Invitae), Labcorp
Classification: Pathogenic. Last evaluated: 2025-07-04. Review status: criteria provided, single submitter. Criteria: Invitae Variant Classification Sherloc (09022015). Collection method: clinical testing. Allele origin: germline.
Comment: This sequence change creates a premature translational stop signal (p.Trp499*) in the ABCA4 gene. It is expected to result in an absent or disrupted protein product. Loss-of-function variants in ABCA4 are known to be pathogenic (PMID: 10958761, 24938718, 25312043, 26780318). This variant is not present in population databases (gnomAD no frequency). This premature translational stop signal has been observed in individual(s) with Stargardt disease (PMID: 28512305). ClinVar contains an entry for this variant (Variation ID: 848932). For these reasons, this variant has been classified as Pathogenic.

Fulgent Genetics
Classification: Likely pathogenic for Age related macular degeneration 2; Severe early-childhood-onset retinal dystrophy; Retinitis pigmentosa 19; Cone-rod dystrophy 3. Last evaluated: 2024-05-30. Review status: criteria provided, single submitter. Criteria: ACMG Guidelines, 2015. Collection method: clinical testing. Allele origin: germline.

Blueprint Genetics
Classification: Pathogenic for ABCA4-related disorders. Last evaluated: 2023-11-07. Review status: criteria provided, single submitter. Criteria: ACMG Guidelines, 2015. Collection method: clinical testing. Allele origin: germline. Affected: yes. Observed: 2 variant alleles.

GeneDx
Classification: Pathogenic. Last evaluated: 2022-01-24. Review status: criteria provided, single submitter. Criteria: GeneDx Variant Classification Process June 2021. Collection method: clinical testing. Allele origin: germline. Affected: yes.
Comment: Nonsense variant predicted to result in protein truncation or nonsense mediated decay in a gene for which loss-of-function is a known mechanism of disease; Not observed at significant frequency in large population cohorts (gnomAD); Identified in an individual with Stargardt disease in published literature (Huang et al., 2017); This variant is associated with the following publications: (PMID: 33301772, 28512305)

Literature cited by the submitters: PubMed 10958761 (cited by Labcorp Genetics (formerly Invitae), Labcorp); PubMed 24938718 (cited by Labcorp Genetics (formerly Invitae), Labcorp); PubMed 25312043 (cited by Labcorp Genetics (formerly Invitae), Labcorp); PubMed 26780318 (cited by Labcorp Genetics (formerly Invitae), Labcorp); PubMed 28512305 (cited by Labcorp Genetics (formerly Invitae), Labcorp).